The following is an entry in ClinVar:

ClinVar aggregate classification (germline): Uncertain significance (1 of 4 stars; one submission).

Conditions:
Hereditary cancer-predisposing syndrome. Also called: Tumor predisposition; Neoplastic Syndromes, Hereditary; Hereditary neoplastic syndrome; Hereditary Cancer Syndrome. Identifiers: Orphanet 140162, MedGen C0027672, MeSH D009386, MONDO:0015356.

Submission:

Ambry Genetics
Classification: Uncertain significance for Hereditary cancer-predisposing syndrome. Last evaluated: 2024-11-12. Review status: criteria provided, single submitter. Criteria: Ambry Variant Classification Scheme 2023. Collection method: clinical testing. Allele origin: germline.
Comment: The c.2393delA variant, located in coding exon 9 of the AXIN2 gene, results from a deletion of one nucleotide at nucleotide position 2393, causing a translational frameshift with a predicted alternate stop codon (p.K798Rfs*63). This alteration occurs at the 3' terminus of theAXIN2 gene, is not expected to trigger nonsense-mediated mRNAdecay, and only impacts the last 5% of the protein. The exact functional effect of this alteration is unknown. Based on the available evidence, the clinical significance of this variant remains unclear.

NM_004655.4(AXIN2):c.2393del (p.Lys798fs)

Gene: AXIN2 (axin 2; minus strand). Cytogenetic location: 17q24.1.
Variant type: Deletion.
Coding change: c.2393del on transcript NM_004655.4 (MANE Select); coding-DNA position 2393, one base deleted (A; older notation c.2393delA).
Protein change: p.Lys798fs; shifts the reading frame from lysine 798.
Molecular consequence: frameshift variant.
Genome position (GRCh38, 1-based): chr17:65,533,924, T deleted on the plus strand (A on the coding strand, the reverse complement: AXIN2 is on the minus strand); the first of 5 consecutive T bases (chr17:65,533,924-65,533,928); deleting any one gives the same sequence. VCF-style (leftmost placement, unchanged base first): chr17-65533923-CT-C. GRCh37 (hg19) VCF-style: chr17-63530041-CT-C.
Other names: c.2198del, p.Lys733fs (NM_001363813.1); c.2393delA (NM_004655.3); short protein forms K733fs, K798fs.
Identifiers: ClinVar variation 3470773 (VCV003470773.1).